The following is an entry in ClinVar:

ClinVar aggregate classification (germline): Uncertain significance (1 of 4 stars; one submission).

Conditions:
Hereditary cancer-predisposing syndrome. Also called: Tumor predisposition; Neoplastic Syndromes, Hereditary; Hereditary Cancer Syndrome; Hereditary neoplastic syndrome. Identifiers: Orphanet 140162, MedGen C0027672, MeSH D009386, MONDO:0015356.

Submission:

Ambry Genetics
Classification: Uncertain significance for Hereditary cancer-predisposing syndrome. Last evaluated: 2022-03-24. Review status: criteria provided, single submitter. Criteria: Ambry Variant Classification Scheme 2023. Collection method: clinical testing. Allele origin: germline.
Comment: The p.D1037E variant (also known as c.3111T>A), located in coding exon 22 of the MSH3 gene, results from a T to A substitution at nucleotide position 3111. The aspartic acid at codon 1037 is replaced by glutamic acid, an amino acid with highly similar properties. This amino acid position is conserved. In addition, this alteration is predicted to be tolerated by in silico analysis. Since supporting evidence is limited at this time, the clinical significance of this alteration remains unclear.

NM_002439.5(MSH3):c.3111T>A (p.Asp1037Glu)

Gene: MSH3 (mutS homolog 3; plus strand). Cytogenetic location: 5q14.1.
Variant type: single nucleotide variant.
Coding change: c.3111T>A on transcript NM_002439.5 (MANE Select); coding-DNA position 3111, T replaced by A.
Protein change: p.Asp1037Glu; replaces aspartic acid 1037 with glutamic acid.
Molecular consequence: missense variant.
Genome position (GRCh38, 1-based): chr5:80,864,923, T>A. VCF-style: chr5-80864923-T-A. GRCh37 (hg19) VCF-style: chr5-80160742-T-A.
Other names: short protein forms D1037E.
Identifiers: ClinVar variation 1727757 (VCV001727757.2), dbSNP rs2478789383, ClinGen allele CA360346442.